The following is an entry in ClinVar:

ClinVar aggregate classification (germline): Uncertain significance (1 of 4 stars; one submission).

Conditions:
Hypertrophic cardiomyopathy. Also called: HYPERTROPHIC MYOCARDIOPATHY. Identifiers: Orphanet 217569, MedGen C0007194, MeSH D002312, MONDO:0005045, HP:0001639.

Submission:

Labcorp Genetics (formerly Invitae), Labcorp
Classification: Uncertain significance for Hypertrophic cardiomyopathy. Last evaluated: 2022-05-31. Review status: criteria provided, single submitter. Criteria: Invitae Variant Classification Sherloc (09022015). Collection method: clinical testing. Allele origin: germline.
Comment: This variant has not been reported in the literature in individuals affected with MYH7-related conditions. Experimental studies and prediction algorithms are not available or were not evaluated, and the functional significance of this variant is currently unknown. In summary, the available evidence is currently insufficient to determine the role of this variant in disease. Therefore, it has been classified as a Variant of Uncertain Significance. This variant is not present in population databases (gnomAD no frequency). This variant, c.5104_5118del, results in the deletion of 5 amino acid(s) of the MYH7 protein (p.Ala1702_Leu1706del), but otherwise preserves the integrity of the reading frame.

NM_000257.4(MYH7):c.5104_5118del (p.Ala1702_Leu1706del)

Genes: MHRT (myosin heavy chain associated RNA transcript; plus strand), MYH7 (myosin heavy chain 7; minus strand), LOC126861897 (BRD4-independent group 4 enhancer GRCh37_chr14:23884455-23885654; plus strand). Cytogenetic location: 14q11.2.
Variant type: Deletion.
Coding change: c.5104_5118del on transcript NM_000257.4 (MANE Select); coding-DNA positions 5104 to 5118, 15 bases deleted (GCGGAGCAGGAGCTG).
Protein change: p.Ala1702_Leu1706del.
Molecular consequence: inframe deletion. On other transcripts: non-coding transcript variant (1), inframe indel (1).
Genome position (GRCh38, 1-based): chr14:23,415,668-23,415,682, CAGCTCCTGCTCCGC deleted on the plus strand (GCGGAGCAGGAGCTG on the coding strand, the reverse complement: MYH7 is on the minus strand); deleting any 15 consecutive bases within chr14:23,415,668-23,415,687 gives the same sequence; the c. name uses the placement nearest the transcript's 3' end. VCF-style (leftmost placement, unchanged base first): chr14-23415667-TCAGCTCCTGCTCCGC-T. GRCh37 (hg19) VCF-style: chr14-23884876-TCAGCTCCTGCTCCGC-T.
Other names: c.5099_5113delAGCTGGCGGAGCAGG, p.Ala1702_Leu1706del (NM_001407004.1).
Identifiers: ClinVar variation 1993096 (VCV001993096.4), dbSNP rs2502242346, ClinGen allele CA2580087942.